The following is an entry in ClinVar:

NM_000382.3(ALDH3A2):c.564G>A (p.Ala188=)

Gene: ALDH3A2 (aldehyde dehydrogenase 3 family member A2; plus strand). Cytogenetic location: 17p11.2.
Variant type: single nucleotide variant.
Coding change: c.564G>A on transcript NM_000382.3 (MANE Select); coding-DNA position 564, G replaced by A.
Protein change: p.Ala188=; no amino-acid change (alanine 188 retained).
Molecular consequence: synonymous variant. On other transcripts: 5 prime UTR variant (1).
Genome position (GRCh38, 1-based): chr17:19,656,458, G>A. VCF-style: chr17-19656458-G-A. GRCh37 (hg19) VCF-style: chr17-19559771-G-A.
Other names: c.564G>A, p.Ala188= (NM_001031806.2, NM_001369136.1, NM_001369137.2 and 3 more transcripts); c.-16G>A (NM_001369148.2).
Identifiers: ClinVar variation 763817 (VCV000763817.14), dbSNP rs61757681, ClinGen allele CA8442852.
Genomic context (GRCh38, chr17:19,656,458, plus strand): 5'-GGAAACCACGGAGCTCCTGAAGCAGCGATTTGACCACATTTTCTATACGGGAAACACTGC[G>A]GTTGGCAAAATTGTCATGGAAGCTGCTGCCAAGCATCTGACCCCTGTGACTCTTGAACTG-3'
Protein context (NP_000373.1, residues 178-198): FDHIFYTGNT[Ala188=]VGKIVMEAAA

ClinVar aggregate classification (germline): Likely benign. Review status: criteria provided, multiple submitters, no conflicts (2 of 4 stars). 4 submissions from 4 submitters: Likely benign (2). 2 of the submissions do not count toward it. Last evaluated 2025-11-04.

Conditions:
ALDH3A2-related disorder. Also called: ALDH3A2-related condition.
Sjögren-Larsson syndrome (SLS). Also called: FALDH DEFICIENCY; FATTY ALCOHOL:NAD+ OXIDOREDUCTASE DEFICIENCY; FATTY ALDEHYDE DEHYDROGENASE DEFICIENCY; ICHTHYOSIS, SPASTIC NEUROLOGIC DISORDER, AND OLIGOPHRENIA. Identifiers: Orphanet 816, MedGen C0037231, MONDO:0010031, OMIM 270200.

Allele frequency attached by ClinVar (database versions not stated): gnomAD exomes 0.00008 and 0.00012; ExAC 0.00016; 1000 Genomes Project 30x 0.00031; 1000 Genomes Project 0.00040; ESP Exome Variant Server 0.00046; gnomAD 0.00046 and 0.00050; TOPMed 0.00050.
gnomAD v4.1: 184 of 1,614,130 alleles (0.011%); highest among the groups gnomAD compares: African/African-American, 0.16%; no homozygotes.

Submissions (4):

Labcorp Genetics (formerly Invitae), Labcorp
Classification: Likely benign. Last evaluated: 2025-11-04. Review status: criteria provided, single submitter. Criteria: Invitae Variant Classification Sherloc (09022015). Collection method: clinical testing. Allele origin: germline.

Blueprint Genetics
Classification: Likely benign. Last evaluated: 2024-11-07. Review status: criteria provided, single submitter. Criteria: ACMG Guidelines, 2015. Collection method: clinical testing. Allele origin: germline.

PreventionGenetics, part of Exact Sciences
Classification: Likely benign for ALDH3A2-related condition. Last evaluated: 2022-07-20. Review status: no assertion criteria provided. Collection method: clinical testing. Allele origin: germline. Not counted in ClinVar's aggregate classification.
Comment: This variant is classified as likely benign based on ACMG/AMP sequence variant interpretation guidelines (Richards et al. 2015 PMID: 25741868, with internal and published modifications).

Natera, Inc.
Classification: Likely benign for SjÃ¶gren-Larsson syndrome. Last evaluated: 2019-12-24. Review status: no assertion criteria provided. Collection method: clinical testing. Allele origin: germline. Not counted in ClinVar's aggregate classification.